The following is an entry in ClinVar:

ClinVar aggregate classification (germline): Uncertain significance (1 of 4 stars; one submission).

Conditions:
Paget disease of bone 2, early-onset (PDB2). Also called: Paget disease of bone 2. Identifiers: MedGen C4085251, MONDO:0011183, OMIM 602080.
Frontotemporal dementia and/or amyotrophic lateral sclerosis 1 (FTDALS1). Also called: Frontotemporal dementia with motor neuron disease 1; C9orf72 Frontotemporal Dementia and/or Amyotrophic Lateral Sclerosis. Identifiers: Orphanet 275872, MedGen C5779877, MONDO:0007105, OMIM 105550.

gnomAD v4.1: 5 of 1,614,154 alleles (0.00031%); highest among the groups gnomAD compares: South Asian, 0.0011%; no homozygotes.

Submission:

Labcorp Genetics (formerly Invitae), Labcorp
Classification: Uncertain significance for Paget disease of bone 2, early-onset; Frontotemporal dementia and/or amyotrophic lateral sclerosis 1. Last evaluated: 2023-11-21. Review status: criteria provided, single submitter. Criteria: Invitae Variant Classification Sherloc (09022015). Collection method: clinical testing. Allele origin: germline.
Comment: This sequence change replaces proline, which is neutral and non-polar, with leucine, which is neutral and non-polar, at codon 437 of the SQSTM1 protein (p.Pro437Leu). This variant is not present in population databases (gnomAD no frequency). This variant has not been reported in the literature in individuals affected with SQSTM1-related conditions. An algorithm developed to predict the effect of missense changes on protein structure and function (PolyPhen-2) suggests that this variant is likely to be tolerated. In summary, the available evidence is currently insufficient to determine the role of this variant in disease. Therefore, it has been classified as a Variant of Uncertain Significance.

NM_003900.5(SQSTM1):c.1310C>T (p.Pro437Leu)

Gene: SQSTM1 (sequestosome 1; plus strand). Cytogenetic location: 5q35.3.
Variant type: single nucleotide variant.
Coding change: c.1310C>T on transcript NM_003900.5 (MANE Select); coding-DNA position 1310, C replaced by T.
Protein change: p.Pro437Leu; replaces proline 437 with leucine.
Molecular consequence: missense variant.
Genome position (GRCh38, 1-based): chr5:179,836,580, C>T. VCF-style: chr5-179836580-C-T. GRCh37 (hg19) VCF-style: chr5-179263580-C-T.
Other names: c.1058C>T, p.Pro353Leu (NM_001142298.2, NM_001142299.2); short protein forms P353L, P437L.
Identifiers: ClinVar variation 2929283 (VCV002929283.3), dbSNP rs2480265605, ClinGen allele CA362454577.